The following is an entry in ClinVar:

ClinVar aggregate classification (germline): Benign/Likely benign. Review status: criteria provided, multiple submitters, no conflicts (2 of 4 stars). 5 submissions from 4 submitters: Benign (4); Likely benign (1). Last evaluated 2024-11-27.

Conditions:
Papillon-Lefèvre syndrome (PALS). Also called: Papillon-Lefevre Disease; KERATOSIS PALMOPLANTARIS WITH PERIODONTOPATHIA. Identifiers: Orphanet 678, MedGen C0030360, MONDO:0009490, OMIM 245000.
Haim-Munk syndrome (HMS). Also called: COCHIN JEWISH DISORDER; KERATOSIS PALMOPLANTARIS WITH PERIODONTOPATHIA AND ONYCHOGRYPOSIS. Identifiers: Orphanet 2342, MedGen C1855627, MONDO:0009491, OMIM 245010.

Allele frequency attached by ClinVar (database versions not stated): 1000 Genomes Project 30x 0.04013; gnomAD exomes 0.06847; ExAC 0.06968; gnomAD 0.07163; 1000 Genomes Project 0.03814; TOPMed 0.07480.

Submissions (5):

Blueprint Genetics
Classification: Likely benign. Last evaluated: 2024-11-27. Review status: criteria provided, single submitter. Criteria: ACMG Guidelines, 2015. Collection method: clinical testing. Allele origin: germline.

GeneDx
Classification: Benign. Last evaluated: 2018-11-10. Review status: criteria provided, single submitter. Criteria: GeneDx Variant Classification Process June 2021. Collection method: clinical testing. Allele origin: germline. Affected: yes.

Illumina Laboratory Services, Illumina
Classification: Benign for Haim-Munk syndrome. Last evaluated: 2018-01-13. Review status: criteria provided, single submitter. Criteria: ICSL Variant Classification Criteria 13 December 2019. Collection method: clinical testing. Allele origin: germline.
Comment: This variant was observed in the ICSL laboratory as part of a predisposition screen in an ostensibly healthy population. It had not been previously curated by ICSL or reported in the Human Gene Mutation Database (HGMD: prior to June 1st, 2018), and was therefore a candidate for classification through an automated scoring system. Utilizing variant allele frequency, disease prevalence and penetrance estimates, and inheritance mode, an automated score was calculated to assess if this variant is too frequent to cause the disease. Based on the score and internal cut-off values, a variant classified as benign is not then subjected to further curation. The score for this variant resulted in a classification of benign for this disease.

Illumina Laboratory Services, Illumina
Classification: Benign for Papillon-Lefèvre syndrome. Last evaluated: 2018-01-13. Review status: criteria provided, single submitter. Criteria: ICSL Variant Classification Criteria 13 December 2019. Collection method: clinical testing. Allele origin: germline.
Comment: the same text as in the submission from Illumina Laboratory Services, Illumina above.

Breakthrough Genomics
Classification: Benign. Review status: criteria provided, single submitter. Criteria: ACMG Guidelines, 2015. Collection method: not provided. Allele origin: germline. Inheritance: Autosomal recessive inheritance. Affected: yes.

NM_001814.4(CTSC):c.-74T>C

Gene: CTSC (cathepsin C; minus strand). Cytogenetic location: 11q14.2.
Variant type: single nucleotide variant.
Coding change: c.-74T>C on transcript NM_001814.4; 74 bases upstream of the start codon, T replaced by C.
Genome position (GRCh38, 1-based): chr11:88,337,746, A>G on the plus strand (T>C on the coding strand, the complement: CTSC is on the minus strand). VCF-style: chr11-88337746-A-G. GRCh37 (hg19) VCF-style: chr11-88070914-A-G.
Identifiers: ClinVar variation 306439 (VCV000306439.11), dbSNP rs11600158, ClinGen allele CA6220197.